The following is an entry in ClinVar:

ClinVar aggregate classification (germline): Uncertain significance (1 of 4 stars; one submission).

Conditions:
Autosomal recessive nonsyndromic hearing loss 28. Identifiers: Orphanet 90636, MedGen C1853276, MONDO:0012355, OMIM 609823.

Submission:

Dubai Health Genomic Medicine Center, Dubai Health
Classification: Uncertain significance for Autosomal recessive nonsyndromic hearing loss 28. Last evaluated: 2020-10-05. Review status: criteria provided, single submitter. Criteria: ACMG Guidelines, 2015. Collection method: clinical testing. Allele origin: germline. Affected: yes.
Comment: The p.Lys1808Glu missense variant in TRIOBP has not been previously reported in affected individuals and was absent from large population studies such as the Genome Aggregation Database (gnomAD) and the Greater Middle East (GME) variome database. Computational prediction tools do not suggest an impact to protein function however this information is not predictive enough to rule out pathogenicity. In summary more information is needed to fully assess the clinical significance of this variant.

NM_001039141.3(TRIOBP):c.5422A>G (p.Lys1808Glu)

Genes: TRIOBP (TRIO and F-actin binding protein; plus strand), LOC126863145 (CDK7 strongly-dependent group 2 enhancer GRCh37_chr22:38150829-38152028; plus strand). Cytogenetic location: 22q13.1.
Variant type: single nucleotide variant.
Coding change: c.5422A>G on transcript NM_001039141.3 (MANE Select); coding-DNA position 5422, A replaced by G.
Protein change: p.Lys1808Glu; replaces lysine 1808 with glutamic acid.
Molecular consequence: missense variant.
Genome position (GRCh38, 1-based): chr22:37,754,919, A>G. VCF-style: chr22-37754919-A-G. GRCh37 (hg19) VCF-style: chr22-38150926-A-G.
Other names: c.283A>G, p.Lys95Glu (NM_007032.5, NM_138632.2); short protein forms K1808E, K95E.
Identifiers: ClinVar variation 1301561 (VCV001301561.2), dbSNP rs2145866277, ClinGen allele CA411504853.